The following is an entry in ClinVar:

NM_001242957.3(MAK):c.208A>T (p.Arg70Ter)

Gene: MAK (male germ cell associated kinase; minus strand). Cytogenetic location: 6p24.2.
Variant type: single nucleotide variant.
Coding change: c.208A>T on transcript NM_001242957.3 (MANE Select); coding-DNA position 208, A replaced by T.
Protein change: p.Arg70Ter; replaces arginine 70 with a stop codon.
Molecular consequence: nonsense. On other transcripts: non-coding transcript variant (2).
Genome position (GRCh38, 1-based): chr6:10,817,920, T>A on the plus strand (A>T on the coding strand, the complement: MAK is on the minus strand). VCF-style: chr6-10817920-T-A. GRCh37 (hg19) VCF-style: chr6-10818153-T-A.
Other names: c.208A>T, p.Arg70Ter (NM_001242385.2, NM_005906.6); c.106A>T, p.Arg36Ter (NM_001377262.1); short protein forms R36*, R70*.
Identifiers: ClinVar variation 2870789 (VCV002870789.3), dbSNP rs1383668573, ClinGen allele CA362721413.
Genomic context (GRCh38, chr6:10,817,920, plus strand): 5'-TTAATTGATAGAGGTTTTCTTTCATATATTCAAATATAAAATAAAGATGGTCATTTTCTC[T>A]GATAACTTCTTTCAATTTAATAACATTGGCATGATTAAGTTTCTTCAGAGACTGAAAAAT-3'

ClinVar aggregate classification (germline): Pathogenic (1 of 4 stars; one submission).

Submission:

Labcorp Genetics (formerly Invitae), Labcorp
Classification: Pathogenic. Last evaluated: 2025-06-03. Review status: criteria provided, single submitter. Criteria: Invitae Variant Classification Sherloc (09022015). Collection method: clinical testing. Allele origin: germline.
Comment: This sequence change creates a premature translational stop signal (p.Arg70*) in the MAK gene. It is expected to result in an absent or disrupted protein product. Loss-of-function variants in MAK are known to be pathogenic (PMID: 21148103, 21825139, 24938718, 29781741). This variant is not present in population databases (gnomAD no frequency). This variant has not been reported in the literature in individuals affected with MAK-related conditions. ClinVar contains an entry for this variant (Variation ID: 2870789). For these reasons, this variant has been classified as Pathogenic.

Literature cited by the submitters: PubMed 21148103; PubMed 21825139; PubMed 24938718; PubMed 29781741.